The following is an entry in ClinVar:

NM_001267550.2(TTN):c.55925T>A (p.Leu18642Gln)

Genes: TTN-AS1 (TTN antisense RNA 1; plus strand), TTN (titin; minus strand). Cytogenetic location: 2q31.2.
Variant type: single nucleotide variant.
Coding change: c.55925T>A on transcript NM_001267550.2 (MANE Select); coding-DNA position 55925, T replaced by A.
Protein change: p.Leu18642Gln; replaces leucine 18642 with glutamine.
Molecular consequence: missense variant.
Genome position (GRCh38, 1-based): chr2:178,600,979, A>T on the plus strand (T>A on the coding strand, the complement: TTN is on the minus strand). VCF-style: chr2-178600979-A-T. GRCh37 (hg19) VCF-style: chr2-179465706-A-T.
Other names: p.L17001Q:CTG>CAG; c.28730T>A, p.Leu9577Gln (NM_003319.4); c.29105T>A, p.Leu9702Gln (NM_133432.3); c.29306T>A, p.Leu9769Gln (NM_133437.4); c.51002T>A, p.Leu17001Gln (NM_001256850.1); c.48221T>A, p.Leu16074Gln (NM_133378.4); short protein forms L16074Q, L18642Q, L17001Q, L9577Q, L9702Q, L9769Q.
Identifiers: ClinVar variation 177978 (VCV000177978.112), dbSNP rs140714512, ClinGen allele CA181108.
Genomic context (GRCh38, chr2:178,600,979, plus strand): 5'-ACAGCTTTGACTCGGAATTCATATTCCCCACCCTCTACTAGGTCTTCAACAGTAAATTGC[A>T]GTTCTTCCACATCACGCTTATTGCACTGCCTCCAGGCTTCTTTCTTTGTCCCAGTAGGGT-3'
Protein context (NP_001254479.2, residues 18632-18652): RQCNKRDVEE[Leu18642Gln]QFTVEDLVEG

ClinVar aggregate classification (germline): Conflicting classifications of pathogenicity. Review status: criteria provided, conflicting classifications (1 of 4 stars). 22 submissions from 18 submitters: Uncertain significance (7); Benign (3); Likely benign (6). 6 of the submissions do not count toward it. Last evaluated 2026-09-01.

Conditions:
TTN-related disorder. Also called: TTN-related disorders; TTN-related condition; TTN-related disease.
Cardiovascular phenotype. Identifiers: MedGen CN230736.
Autosomal recessive limb-girdle muscular dystrophy type 2J (LGMDR10). Also called: Limb-girdle muscular dystrophy, type 2J; MUSCULAR DYSTROPHY, LIMB-GIRDLE, AUTOSOMAL RECESSIVE 10. Identifiers: Orphanet 140922, MedGen C1837342, MONDO:0012127, OMIM 608807.
Dilated cardiomyopathy 1G (CMD1G). Identifiers: Orphanet 154, MedGen C1858763, MONDO:0011400, OMIM 604145.
Myopathy, myofibrillar, 9, with early respiratory failure (MFM9). Also called: Myopathy, distal, with early respiratory failure, autosomal dominant; EDSTROM MYOPATHY; MYOPATHY, PROXIMAL, WITH EARLY RESPIRATORY MUSCLE INVOLVEMENT; Hereditary myopathy with early respiratory failure. Identifiers: Orphanet 178464, Orphanet 34521, MedGen C1863599, MONDO:0011362, OMIM 603689.
Early-onset myopathy with fatal cardiomyopathy (CMYO5). Also called: Salih Myopathy; CONGENITAL MYOPATHY 5 WITH CARDIOMYOPATHY. Identifiers: Orphanet 289377, MedGen C2673677, MONDO:0012714, OMIM 611705. Disease mechanism: loss of function.
Tibial muscular dystrophy (TMD). Also called: Udd Distal Myopathy – Tibial Muscular Dystrophy; UDD MYOPATHY; Tibial muscular dystrophy, tardive. Identifiers: Orphanet 609, MedGen C1838244, MONDO:0010870, OMIM 600334.
Hypertrophic cardiomyopathy. Also called: HYPERTROPHIC MYOCARDIOPATHY. Identifiers: Orphanet 217569, MedGen C0007194, MeSH D002312, MONDO:0005045, HP:0001639.

Allele frequency attached by ClinVar (database versions not stated): ExAC 0.00044; TOPMed 0.00045; gnomAD 0.00047 and 0.00048; gnomAD exomes 0.00051 and 0.00032; ESP Exome Variant Server 0.00054; 1000 Genomes Project 30x 0.00016; 1000 Genomes Project 0.00020.
gnomAD v4.1: 565 of 1,613,044 alleles (0.035%); highest among the groups gnomAD compares: Middle Eastern, 0.099%; 2 homozygotes.

Submissions (22):

CeGaT Center for Human Genetics Tuebingen
Classification: Likely benign. Last evaluated: 2026-09-01. Review status: criteria provided, single submitter. Criteria: CeGaT Center For Human Genetics Tuebingen Variant Classification Criteria Version 2. Collection method: clinical testing. Allele origin: germline. Affected: yes. Observed: 25 variant alleles.
Comment: TTN: BP4

Labcorp Genetics (formerly Invitae), Labcorp
Classification: Benign for Dilated cardiomyopathy 1G; Autosomal recessive limb-girdle muscular dystrophy type 2J. Last evaluated: 2026-01-31. Review status: criteria provided, single submitter. Criteria: Invitae Variant Classification Sherloc (09022015). Collection method: clinical testing. Allele origin: germline.

Women's Health and Genetics/Laboratory Corporation of America, LabCorp
Classification: Likely benign. Last evaluated: 2025-10-21. Review status: criteria provided, single submitter. Criteria: LabCorp Variant Classification Summary - May 2015. Collection method: clinical testing. Allele origin: germline.
Comment: Variant summary: TTN c.48221T>A (p.Leu16074Gln) results in a non-conservative amino acid change located in the A-band domain of the encoded protein sequence. Algorithms developed to predict the effect of missense changes on protein structure and function are either unavailable or do not agree on the potential impact of this missense change. The variant allele was found at a frequency of 0.00051 in 248080 control chromosomes, predominantly at a frequency of 0.0053 within the Ashkenazi Jewish subpopulation in the gnomAD database. The observed variant frequency within Ashkenazi Jewish control individuals in the gnomAD database exceeds the estimated maximal expected allele frequency for disease-causing variants in TTN. c.48221T>A has been reported in the literature in individuals affected with sudden unexplained death and dilated cardiomyopathy, without strong evidence for causality (examples: Campuzano_2015, Burstein_2021). These report(s) do not provide unequivocal conclusions about association of the variant with Autosomal Recessive Titinopathy. To our knowledge, no experimental evidence demonstrating an impact on protein function has been reported. The following publications have been ascertained in the context of this evaluation (PMID: 32746448, 26516846). ClinVar contains an entry for this variant (Variation ID: 177978). Based on the evidence outlined above, the variant was classified as likely benign.

Blueprint Genetics
Classification: Likely benign. Last evaluated: 2024-11-13. Review status: criteria provided, single submitter. Criteria: ACMG Guidelines, 2015. Collection method: clinical testing. Allele origin: germline.

ARUP Laboratories, Molecular Genetics and Genomics, ARUP Laboratories
Classification: Likely benign. Last evaluated: 2021-07-23. Review status: criteria provided, single submitter. Criteria: ARUP Molecular Germline Variant Investigation Process 2021. Collection method: clinical testing. Allele origin: germline.

GeneDx
Classification: Likely benign. Last evaluated: 2020-11-11. Review status: criteria provided, single submitter. Criteria: GeneDx Variant Classification Process June 2021. Collection method: clinical testing. Allele origin: germline. Affected: yes.
Comment: This variant is associated with the following publications: (PMID: 23861362, 24503780)

Illumina Laboratory Services, Illumina
Classification: Uncertain significance for Dilated cardiomyopathy 1G. Last evaluated: 2018-01-13. Review status: criteria provided, single submitter. Criteria: ICSL Variant Classification Criteria 13 December 2019. Collection method: clinical testing. Allele origin: germline.

Illumina Laboratory Services, Illumina
Classification: Uncertain significance for Autosomal recessive limb-girdle muscular dystrophy type 2J. Last evaluated: 2018-01-13. Review status: criteria provided, single submitter. Criteria: ICSL Variant Classification Criteria 13 December 2019. Collection method: clinical testing. Allele origin: germline.

Illumina Laboratory Services, Illumina
Classification: Uncertain significance for Early-onset myopathy with fatal cardiomyopathy. Last evaluated: 2018-01-13. Review status: criteria provided, single submitter. Criteria: ICSL Variant Classification Criteria 13 December 2019. Collection method: clinical testing. Allele origin: germline.

Illumina Laboratory Services, Illumina
Classification: Benign for Tibial muscular dystrophy. Last evaluated: 2018-01-13. Review status: criteria provided, single submitter. Criteria: ICSL Variant Classification Criteria 13 December 2019. Collection method: clinical testing. Allele origin: germline.
Comment: This variant was observed in the ICSL laboratory as part of a predisposition screen in an ostensibly healthy population. It had not been previously curated by ICSL or reported in the Human Gene Mutation Database (HGMD: prior to June 1st, 2018), and was therefore a candidate for classification through an automated scoring system. Utilizing variant allele frequency, disease prevalence and penetrance estimates, and inheritance mode, an automated score was calculated to assess if this variant is too frequent to cause the disease. Based on the score and internal cut-off values, a variant classified as benign is not then subjected to further curation. The score for this variant resulted in a classification of benign for this disease.

Illumina Laboratory Services, Illumina
Classification: Benign for Myopathy, myofibrillar, 9, with early respiratory failure. Last evaluated: 2018-01-13. Review status: criteria provided, single submitter. Criteria: ICSL Variant Classification Criteria 13 December 2019. Collection method: clinical testing. Allele origin: germline.
Comment: the same text as in the submission from Illumina Laboratory Services, Illumina above.

Center for Advanced Laboratory Medicine, UC San Diego Health, University of California San Diego
Classification: Uncertain significance for Hypertrophic cardiomyopathy. Last evaluated: 2017-06-19. Review status: criteria provided, single submitter. Criteria: ACMG Guidelines, 2015. Collection method: clinical testing. Allele origin: germline. Affected: yes. Observed: 1 variant allele.

Laboratory for Molecular Medicine, Mass General Brigham Personalized Medicine
Classification: Uncertain significance. Last evaluated: 2016-02-09. Review status: criteria provided, single submitter. Criteria: LMM Criteria. Collection method: clinical testing. Allele origin: germline. Observed: 7 variant alleles.
Comment: Variant classified as Uncertain Significance - Favor Benign. The p.Leu16074Gln v ariant in TTN has been identified by our laboratory in 5 Caucasian individuals w ith different cardiomyopathies (1 adult with DCM, 1 adult with DCM and skeletal myopathy, 1 adult with LVNC, 1 teenager with DCM and syndromic features, and 1 i nfant with HCM). This variant has been identified in 50/66574 European chromosom es by the Exome Aggregation Consortium (ExAC; db SNP rs140714512). Computational prediction tools and conservation analysis sugg est that the p.Leu16074Gln variant may not impact the protein, though this infor mation is not predictive enough to rule out pathogenicity. In summary, while the clinical significance of the p.Leu16074Gln variant is uncertain, its frequency and lack of conservation suggests that it is more likely to be benign.

Eurofins Ntd Llc (ga)
Classification: Uncertain significance. Last evaluated: 2015-06-23. Review status: criteria provided, single submitter. Criteria: EGL Classification Definitions 2015. Collection method: clinical testing. Allele origin: germline. Observed: 2 variant alleles, 2 heterozygotes.

Biesecker Lab/Clinical Genomics Section, National Institutes of Health
Classification: Likely benign. Last evaluated: 2013-06-24. Review status: criteria provided, single submitter. Criteria: Ng et al. (Circ Cardiovasc Genet. 2013). Collection method: research. Allele origin: unknown. Observed: 2 variant alleles. Study: ClinSeq.
Comment: The study set was not selected for affection status in relation to any cancer. Pathogenicity categories were based on literature curation. See Pubmed ID:23861362 for details.

Medical sequencing

Ambry Genetics
Classification: Uncertain significance for Cardiovascular phenotype. Last evaluated: 2013-01-06. Review status: criteria provided, single submitter. Criteria: Ambry Autosomal Dominant and X-Linked criteria (10/2015). Collection method: clinical testing. Allele origin: germline. Observed: 1 variant allele.
Comment: There is insufficient or conflicting evidence for classification of this alteration.

PreventionGenetics, part of Exact Sciences
Classification: Likely benign for TTN-related condition. Last evaluated: 2019-05-10. Review status: no assertion criteria provided. Collection method: clinical testing. Allele origin: germline. Not counted in ClinVar's aggregate classification.
Comment: This variant is classified as likely benign based on ACMG/AMP sequence variant interpretation guidelines (Richards et al. 2015 PMID: 25741868, with internal and published modifications).

Clinical Genetics DNA and cytogenetics Diagnostics Lab, Erasmus MC, Erasmus Medical Center
Classification: Likely benign. Review status: no assertion criteria provided. Collection method: clinical testing. Allele origin: germline. Affected: yes. Study: VKGL Data-share Consensus. Not counted in ClinVar's aggregate classification.

Clinical Genetics, Academic Medical Center
Classification: Benign. Review status: no assertion criteria provided. Collection method: clinical testing. Allele origin: germline. Affected: yes. Study: VKGL Data-share Consensus. Not counted in ClinVar's aggregate classification.

Genome Diagnostics Laboratory, University Medical Center Utrecht
Classification: Likely benign. Review status: no assertion criteria provided. Collection method: clinical testing. Allele origin: germline. Affected: yes. Study: VKGL Data-share Consensus. Not counted in ClinVar's aggregate classification.

Joint Genome Diagnostic Labs from Nijmegen and Maastricht, Radboudumc and MUMC+
Classification: Likely benign. Review status: no assertion criteria provided. Collection method: clinical testing. Allele origin: germline. Affected: yes. Study: VKGL Data-share Consensus. Not counted in ClinVar's aggregate classification.

Laboratory of Diagnostic Genome Analysis, Leiden University Medical Center (LUMC)
Classification: Likely benign. Review status: no assertion criteria provided. Collection method: clinical testing. Allele origin: germline. Affected: yes. Study: VKGL Data-share Consensus. Not counted in ClinVar's aggregate classification.

Literature cited by the submitters: PubMed 26516846 (cited by Women's Health and Genetics/Laboratory Corporation of America, LabCorp); PubMed 32746448 (cited by Women's Health and Genetics/Laboratory Corporation of America, LabCorp).